The following is an entry in ClinVar:

NM_022124.6(CDH23):c.5003G>A (p.Gly1668Asp)

Gene: CDH23 (cadherin related 23; plus strand). Cytogenetic location: 10q22.1.
Variant type: single nucleotide variant.
Coding change: c.5003G>A on transcript NM_022124.6 (MANE Select); coding-DNA position 5003, G replaced by A.
Protein change: p.Gly1668Asp; replaces glycine 1668 with aspartic acid.
Molecular consequence: missense variant.
Genome position (GRCh38, 1-based): chr10:71,777,837, G>A. VCF-style: chr10-71777837-G-A. GRCh37 (hg19) VCF-style: chr10-73537594-G-A.
Other names: short protein forms G1668D.
Identifiers: ClinVar variation 1024645 (VCV001024645.8), dbSNP rs1840853854, ClinGen allele CA377140343.

ClinVar aggregate classification (germline): Uncertain significance (1 of 4 stars; one submission).

Allele frequency attached by ClinVar (database versions not stated): gnomAD exomes below 0.00001.
gnomAD v4.1: 2 of 1,613,838 alleles (0.00012%); highest among the groups gnomAD compares: Non-Finnish European, 0.00017%; no homozygotes.

Submission:

Labcorp Genetics (formerly Invitae), Labcorp
Classification: Uncertain significance. Last evaluated: 2022-07-19. Review status: criteria provided, single submitter. Criteria: Invitae Variant Classification Sherloc (09022015). Collection method: clinical testing. Allele origin: germline.
Comment: This sequence change replaces glycine, which is neutral and non-polar, with aspartic acid, which is acidic and polar, at codon 1668 of the CDH23 protein (p.Gly1668Asp). This variant is not present in population databases (gnomAD no frequency). In summary, the available evidence is currently insufficient to determine the role of this variant in disease. Therefore, it has been classified as a Variant of Uncertain Significance. Algorithms developed to predict the effect of missense changes on protein structure and function are either unavailable or do not agree on the potential impact of this missense change (SIFT: "Deleterious"; PolyPhen-2: "Not Available"; Align-GVGD: "Class C15"). ClinVar contains an entry for this variant (Variation ID: 1024645). This variant has not been reported in the literature in individuals affected with CDH23-related conditions.